The following is an entry in ClinVar:

ClinVar aggregate classification (germline): Uncertain significance (1 of 4 stars; one submission).

Conditions:
Hereditary cancer-predisposing syndrome. Also called: Hereditary neoplastic syndrome; Neoplastic Syndromes, Hereditary; Tumor predisposition; Hereditary Cancer Syndrome. Identifiers: Orphanet 140162, MedGen C0027672, MeSH D009386, MONDO:0015356.

Submission:

Ambry Genetics
Classification: Uncertain significance for Hereditary cancer-predisposing syndrome. Last evaluated: 2025-08-25. Review status: criteria provided, single submitter. Criteria: Ambry Variant Classification Scheme 2023. Collection method: clinical testing. Allele origin: germline.
Comment: The p.N430Y variant (also known as c.1288A>T), located in coding exon 10 of the POLD1 gene, results from an A to T substitution at nucleotide position 1288. The asparagine at codon 430 is replaced by tyrosine, an amino acid with dissimilar properties. This amino acid position is conserved. In addition, this alteration is predicted to be tolerated by in silico analysis. Based on the available evidence, the clinical significance of this variant remains unclear.

NM_002691.4(POLD1):c.1288A>T (p.Asn430Tyr)

Gene: POLD1 (DNA polymerase delta 1, catalytic subunit; plus strand). Cytogenetic location: 19q13.33.
Variant type: single nucleotide variant.
Coding change: c.1288A>T on transcript NM_002691.4 (MANE Select); coding-DNA position 1288, A replaced by T.
Protein change: p.Asn430Tyr; replaces asparagine 430 with tyrosine.
Molecular consequence: missense variant. On other transcripts: non-coding transcript variant (1).
Genome position (GRCh38, 1-based): chr19:50,406,227, A>T. VCF-style: chr19-50406227-A-T. GRCh37 (hg19) VCF-style: chr19-50909484-A-T.
Other names: c.1288A>T, p.Asn430Tyr (NM_001256849.1, NM_001308632.1, NM_001438210.1 and 3 more transcripts); short protein forms N430Y.
Identifiers: ClinVar variation 4141030 (VCV004141030.1).
Genomic context (GRCh38, chr19:50,406,227, plus strand): 5'-GCCTCTCCTCCTCAGGTACAAACATTCCCTTTCCTGGGCCGTGTGGCCGGCCTTTGCTCC[A>T]ACATCCGGGACTCTTCATTCCAGTCCAAGCAGACGGGCCGGCGGGACACCAAGGTTGTCA-3'
Protein context (NP_002682.2, residues 420-440): FLGRVAGLCS[Asn430Tyr]IRDSSFQSKQ